The following is an entry in ClinVar:

NM_144599.5(NIPA1):c.318-6A>G

Gene: NIPA1 (NIPA magnesium transporter 1; plus strand). Cytogenetic location: 15q11.2.
Variant type: single nucleotide variant.
Coding change: c.318-6A>G on transcript NM_144599.5 (MANE Select); 6 bases into the intron before coding-DNA position 318, A replaced by G.
Molecular consequence: intron variant.
Genome position (GRCh38, 1-based): chr15:22,820,307, A>G. VCF-style: chr15-22820307-A-G. GRCh37 (hg19) VCF-style: chr15-23052761-T-C.
Other names: c.93-6A>G (NM_001142275.1).
Identifiers: ClinVar variation 3675127 (VCV003675127.2).

ClinVar aggregate classification (germline): Uncertain significance (1 of 4 stars; one submission).

Conditions:
Hereditary spastic paraplegia 6 (SPG6). Also called: SPASTIC PARAPLEGIA 6, AUTOSOMAL DOMINANT. Identifiers: Orphanet 100988, MedGen C1838192, MONDO:0010878, OMIM 600363.

gnomAD v4.1: 3 of 1,600,808 alleles (0.00019%); highest among the groups gnomAD compares: Non-Finnish European, 0.00026%; no homozygotes.

Submission:

Labcorp Genetics (formerly Invitae), Labcorp
Classification: Uncertain significance for Hereditary spastic paraplegia 6. Last evaluated: 2024-10-25. Review status: criteria provided, single submitter. Criteria: Invitae Variant Classification Sherloc (09022015). Collection method: clinical testing. Allele origin: germline.
Comment: This sequence change falls in intron 3 of the NIPA1 gene. It does not directly change the encoded amino acid sequence of the NIPA1 protein. This variant is not present in population databases (gnomAD no frequency). This variant has not been reported in the literature in individuals affected with NIPA1-related conditions. Algorithms developed to predict the effect of sequence changes on RNA splicing suggest that this variant may disrupt the consensus splice site. In summary, the available evidence is currently insufficient to determine the role of this variant in disease. Therefore, it has been classified as a Variant of Uncertain Significance.